The following is an entry in ClinVar:

ClinVar aggregate classification (germline): Uncertain significance (1 of 4 stars; one submission).

Submission:

GeneDx
Classification: Uncertain significance. Last evaluated: 2014-09-17. Review status: criteria provided, single submitter. Criteria: GeneDx Variant Classification (06012015). Collection method: clinical testing. Allele origin: germline. Affected: yes.
Comment: c.108-6 T>G: IVS2-6 T>G in intron 2 of the DNAJC5 gene (NM_025219.2). The c.108-6 T>G variant has not been published as a mutation, nor has it been reported as a benign polymorphism to our knowledge. The c.108-6 T>G variant was not observed in approximately 6,500 individuals of European and African American ancestry in the NHLBI Exome Sequencing Project, indicating it is not a common benign variant in these populations. In-silico splice prediction models predict that c.108-6 T>G may damage or even destroy the natural splice acceptor site in intron 2, which may lead to abnormal gene splicing. However, in the absence of RNA/functional studies, the actual effect of this sequence change is unknown. Additionally, to our knowledge, splice mutations have not been reported in the DNAJC5 gene. Therefore, based on the currently available information, it is unclear whether this variant is a pathogenic mutation or a rare benign variant. The variant is found in EPILEPSY panel(s).

NM_025219.3(DNAJC5):c.108-6T>G

Gene: DNAJC5 (DnaJ heat shock protein family (Hsp40) member C5; plus strand). Cytogenetic location: 20q13.33.
Variant type: single nucleotide variant.
Coding change: c.108-6T>G on transcript NM_025219.3 (MANE Select); 6 bases into the intron before coding-DNA position 108, T replaced by G.
Molecular consequence: intron variant.
Genome position (GRCh38, 1-based): chr20:63,929,306, T>G. VCF-style: chr20-63929306-T-G. GRCh37 (hg19) VCF-style: chr20-62560659-T-G.
Identifiers: ClinVar variation 205372 (VCV000205372.2), dbSNP rs796052410, ClinGen allele CA314384.